The following is an entry in ClinVar:

NM_018367.7(ACER3):c.173G>A (p.Gly58Asp)

Gene: ACER3 (alkaline ceramidase 3; plus strand). Cytogenetic location: 11q13.5.
Variant type: single nucleotide variant.
Coding change: c.173G>A on transcript NM_018367.7 (MANE Select); coding-DNA position 173, G replaced by A.
Protein change: p.Gly58Asp; replaces glycine 58 with aspartic acid.
Molecular consequence: missense variant. On other transcripts: 5 prime UTR variant (2), intron variant (1).
Genome position (GRCh38, 1-based): chr11:76,926,626, G>A. VCF-style: chr11-76926626-G-A. GRCh37 (hg19) VCF-style: chr11-76637670-G-A.
Other names: c.-184G>A (NM_001300954.2); c.-60G>A (NM_001300955.2); c.104-32353G>A (NM_001300953.2); short protein forms G58D.
Identifiers: ClinVar variation 4763219 (VCV004763219.1).

ClinVar aggregate classification (germline): Uncertain significance (1 of 4 stars; one submission).

gnomAD v4.1: 3 of 1,607,518 alleles (0.00019%); highest among the groups gnomAD compares: East Asian, 0.0022%; no homozygotes.

Submission:

Labcorp Genetics (formerly Invitae), Labcorp
Classification: Uncertain significance. Last evaluated: 2025-06-18. Review status: criteria provided, single submitter. Criteria: Invitae Variant Classification Sherloc (09022015). Collection method: clinical testing. Allele origin: germline.
Comment: This sequence change replaces glycine, which is neutral and non-polar, with aspartic acid, which is acidic and polar, at codon 58 of the ACER3 protein (p.Gly58Asp). This variant is not present in population databases (gnomAD no frequency). This variant has not been reported in the literature in individuals affected with ACER3-related conditions. Invitae Evidence Modeling of protein sequence and biophysical properties (such as structural, functional, and spatial information, amino acid conservation, physicochemical variation, residue mobility, and thermodynamic stability) indicates that this missense variant is not expected to disrupt ACER3 protein function with a negative predictive value of 80%. In summary, the available evidence is currently insufficient to determine the role of this variant in disease. Therefore, it has been classified as a Variant of Uncertain Significance.